The following is an entry in ClinVar:

NM_000368.5(TSC1):c.3018G>T (p.Gly1006=)

Gene: TSC1 (TSC complex subunit 1; minus strand). Cytogenetic location: 9q34.13.
Variant type: single nucleotide variant.
Coding change: c.3018G>T on transcript NM_000368.5 (MANE Select); coding-DNA position 3018, G replaced by T.
Protein change: p.Gly1006=; no amino-acid change (glycine 1006 retained).
Molecular consequence: synonymous variant. On other transcripts: non-coding transcript variant (5).
Genome position (GRCh38, 1-based): chr9:132,896,712, C>A on the plus strand (G>T on the coding strand, the complement: TSC1 is on the minus strand). VCF-style: chr9-132896712-C-A. GRCh37 (hg19) VCF-style: chr9-135772099-C-A.
Other names: c.2976G>T, p.Gly992= (NM_001406605.1, NM_001406606.1, NM_001406607.1); c.2973G>T, p.Gly991= (NM_001406608.1, NM_001406609.1); c.2865G>T, p.Gly955= (NM_001406610.1, NM_001162427.2); c.2862G>T, p.Gly954= (NM_001406611.1, NM_001406612.1); c.2820G>T, p.Gly940= (NM_001406613.1); c.2655G>T, p.Gly885= (NM_001406614.1, NM_001406615.1, NM_001406616.1 and 4 more transcripts); c.2652G>T, p.Gly884= (NM_001406620.1, NM_001406621.1, NM_001406622.1 and 1 more transcripts); c.2613G>T, p.Gly871= (NM_001406624.1); and 8 more.
Identifiers: ClinVar variation 3074086 (VCV003074086.2), dbSNP rs910475358, ClinGen allele CA467813076.
Genomic context (GRCh38, chr9:132,896,712, plus strand): 5'-GGCGCTGCTGGGCCTGGGGGTCTTGGTCTCACCGTTGTGGCCAGATGCCTCTTCATTGTG[C>A]CCTACCATGGAATCTGAGCACCCGTCATTACAACAGTCAAGCCTGTAAGAAAGCCGGGGA-3'
Protein context (NP_000359.1, residues 996-1016): CNDGCSDSMV[Gly1006=]HNEEASGHNG

ClinVar aggregate classification (germline): Conflicting classifications of pathogenicity. Review status: criteria provided, conflicting classifications (1 of 4 stars). 2 submissions from 2 submitters: Uncertain significance (1); Benign (1). Last evaluated 2025-04-29.

Conditions:
Tuberous sclerosis syndrome (TSC). Also called: Tuberous Sclerosis Complex; Tuberous sclerosis. Identifiers: Orphanet 805, MedGen C0041341, MONDO:0001734.
Tuberous sclerosis 1 (TSC1). Identifiers: Orphanet 805, MedGen C1854465, MONDO:0008612, OMIM 191100.

Allele frequency attached by ClinVar (database versions not stated): gnomAD exomes below 0.00001.
gnomAD v4.1: 1 of 1,613,920 alleles (0.000062%); highest among the groups gnomAD compares: East Asian, 0.0022%; no homozygotes.

Submissions (2):

Myriad Genetics, Inc.
Classification: Benign for Tuberous sclerosis 1. Last evaluated: 2025-04-29. Review status: criteria provided, single submitter. Criteria: Myriad Autosomal Dominant, Autosomal Recessive and X-Linked Classification Criteria (2023). Collection method: clinical testing. Allele origin: unknown.
Comment: This variant is considered benign. This variant is a silent/synonymous amino acid change and it is not expected to impact splicing.

All of Us Research Program, National Institutes of Health
Classification: Uncertain significance for Tuberous sclerosis syndrome. Last evaluated: 2023-10-23. Review status: criteria provided, single submitter. Criteria: ACMG Guidelines, 2015. Collection method: clinical testing. Allele origin: germline. Inheritance: Autosomal dominant inheritance. Observed: 1 variant allele, 1 heterozygote.
Comment: This variant is located in the TSC1 protein. To our knowledge, functional studies have not been reported for this variant. This variant has not been reported in individuals affected with TSC1-related disorders in the literature. This variant has not been identified in the general population by the Genome Aggregation Database (gnomAD). The available evidence is insufficient to determine the role of this variant in disease conclusively. Therefore, this variant is classified as a Variant of Uncertain Significance.

This study involves interpretation of variants in research participants for the purpose of population health screening. Participant phenotype was not available at the time of variant classification. Additional details can be found in publication PMID: 35346344, PMCID: PMC8962531